The following is an entry in ClinVar:

NM_000138.5(FBN1):c.8449T>G (p.Phe2817Val)

Gene: FBN1 (fibrillin 1; minus strand). Cytogenetic location: 15q21.1.
Variant type: single nucleotide variant.
Coding change: c.8449T>G on transcript NM_000138.5 (MANE Select); coding-DNA position 8449, T replaced by G.
Protein change: p.Phe2817Val; replaces phenylalanine 2817 with valine.
Molecular consequence: missense variant.
Genome position (GRCh38, 1-based): chr15:48,411,157, A>C on the plus strand (T>G on the coding strand, the complement: FBN1 is on the minus strand). VCF-style: chr15-48411157-A-C. GRCh37 (hg19) VCF-style: chr15-48703354-A-C.
Other names: p.F2817V:TTC>GTC; short protein forms F2817V.
Identifiers: ClinVar variation 200132 (VCV000200132.24), dbSNP rs148741353, ClinGen allele CA017745.

ClinVar aggregate classification (germline): Conflicting classifications of pathogenicity. Review status: criteria provided, conflicting classifications (1 of 4 stars). 6 submissions from 6 submitters: Uncertain significance (5); Likely benign (1). Last evaluated 2026-07-23.

Conditions:
Marfan syndrome (MFS). Also called: MARFAN SYNDROME, TYPE I; Marfan's syndrome; Marfan syndrome, classic; Marfan syndrome type 1; FBN1-Related Marfan Syndrome. Identifiers: Orphanet 284963, Orphanet 558, MedGen C0024796, MONDO:0007947, OMIM 154700.
Familial thoracic aortic aneurysm and aortic dissection (TAAD). Also called: Thoracic aortic aneurysms and dissections. Identifiers: Orphanet 91387, MedGen C4707243, MONDO:0019625.

Allele frequency attached by ClinVar (database versions not stated): gnomAD 0.00001; ESP Exome Variant Server 0.00008; TOPMed 0.00001; gnomAD exomes 0.00002 and 0.00001; ExAC 0.00001.
gnomAD v4.1: 17 of 1,614,026 alleles (0.0011%); highest among the groups gnomAD compares: Non-Finnish European, 0.0014%; no homozygotes.

Submissions (6):

Ambry Genetics
Classification: Uncertain significance for Familial thoracic aortic aneurysm and aortic dissection. Last evaluated: 2026-07-23. Review status: criteria provided, single submitter. Criteria: Ambry Variant Classification Scheme 2023. Collection method: clinical testing. Allele origin: germline.

Labcorp Genetics (formerly Invitae), Labcorp
Classification: Likely benign for Marfan syndrome; Familial thoracic aortic aneurysm and aortic dissection. Last evaluated: 2025-12-14. Review status: criteria provided, single submitter. Criteria: Invitae Variant Classification Sherloc (09022015). Collection method: clinical testing. Allele origin: germline.

Women's Health and Genetics/Laboratory Corporation of America, LabCorp
Classification: Uncertain significance. Last evaluated: 2024-09-16. Review status: criteria provided, single submitter. Criteria: LabCorp Variant Classification Summary - May 2015. Collection method: clinical testing. Allele origin: germline.
Comment: Variant summary: FBN1 c.8449T>G (p.Phe2817Val) results in a non-conservative amino acid change in the encoded protein sequence. Three of five in-silico tools predict a benign effect of the variant on protein function. The variant allele was found at a frequency of 2e-05 in 251424 control chromosomes. The available data on variant occurrences in the general population are insufficient to allow any conclusion about variant significance. To our knowledge, no occurrence of c.8449T>G in individuals affected with Aortopathy or other FBN1-related disorders and no experimental evidence demonstrating its impact on protein function have been reported. ClinVar contains an entry for this variant (Variation ID: 200132). Based on the evidence outlined above, the variant was classified as uncertain significance.

GeneDx
Classification: Uncertain significance. Last evaluated: 2024-06-27. Review status: criteria provided, single submitter. Criteria: GeneDx Variant Classification Process June 2021. Collection method: clinical testing. Allele origin: germline. Affected: yes.
Comment: Not observed at significant frequency in large population cohorts (gnomAD); In silico analysis indicates that this missense variant does not alter protein structure/function; Does not affect a cysteine residue within a calcium-binding EGF-like domain or a TGF-binding protein domain of the FBN1 gene; cysteine substitutions in the calcium-binding EGF-like domains represent the majority of pathogenic missense changes associated with FBN1-related disorders (PMID: 12938084); Has not been previously published as pathogenic or benign to our knowledge; This variant is associated with the following publications: (PMID: 12938084, 27906200)

Color Diagnostics, LLC DBA Color Health
Classification: Uncertain significance for Familial thoracic aortic aneurysm and aortic dissection. Last evaluated: 2023-10-25. Review status: criteria provided, single submitter. Criteria: ACMG Guidelines, 2015. Collection method: clinical testing. Allele origin: germline.
Comment: This missense variant replaces phenylalanine with valine at codon 2817 of the FBN1 protein. Computational prediction suggests that this variant may not impact protein structure and function. To our knowledge, functional studies have not been reported for this variant. This variant has not been reported in individuals affected with FBN1-related disorders in the literature. This variant has been identified in 5/251424 chromosomes in the general population by the Genome Aggregation Database (gnomAD). The available evidence is insufficient to determine the role of this variant in disease conclusively. Therefore, this variant is classified as a Variant of Uncertain Significance.

Eurofins Ntd Llc (ga)
Classification: Uncertain significance. Last evaluated: 2016-08-26. Review status: criteria provided, single submitter. Criteria: EGL Classification Definitions 2015. Collection method: clinical testing. Allele origin: germline. Observed: 2 variant alleles, 2 heterozygotes.